The following is an entry in ClinVar:

ClinVar aggregate classification (germline): Likely pathogenic (1 of 4 stars; one submission).

Conditions:
Hereditary cancer-predisposing syndrome. Also called: Neoplastic Syndromes, Hereditary; Hereditary Cancer Syndrome; Tumor predisposition; Hereditary neoplastic syndrome. Identifiers: Orphanet 140162, MedGen C0027672, MeSH D009386, MONDO:0015356.

Submission:

Ambry Genetics
Classification: Likely pathogenic for Hereditary cancer-predisposing syndrome. Last evaluated: 2023-02-14. Review status: criteria provided, single submitter. Criteria: Ambry Variant Classification Scheme 2023. Collection method: clinical testing. Allele origin: germline.
Comment: The c.808_857del50 variant, located in coding exon 9 of the RAD51D gene, results from a deletion of 50 nucleotides at nucleotide positions 808 to 857, causing a translational frameshift with a predicted alternate stop codon (p.F270Ifs*40). This alteration occurs at the 3' terminus of theRAD51D gene, is not expected to trigger nonsense-mediated mRNA decay, and only impacts 18% of the protein. However, premature stop codons are typically deleterious in nature and the impacted region is critical for protein function (Ambry internal data). This variant is considered to be rare based on population cohorts in the Genome Aggregation Database (gnomAD). Based on the majority of available evidence to date, this variant is likely to be pathogenic.

NM_002878.4(RAD51D):c.808_857del (p.Phe270fs)

Genes: RAD51L3-RFFL (RAD51L3-RFFL readthrough; minus strand), RAD51D (RAD51 paralog D; minus strand). Cytogenetic location: 17q12.
Variant type: Deletion.
Coding change: c.808_857del on transcript NM_002878.4 (MANE Select); coding-DNA positions 808 to 857, 50 bases deleted.
Protein change: p.Phe270fs; shifts the reading frame from phenylalanine 270.
Molecular consequence: frameshift variant. On other transcripts: non-coding transcript variant (3).
Genome position (GRCh38, 1-based): chr17:35,101,247-35,101,296, 50 bases deleted; deleting any 50 consecutive bases within chr17:35,101,247-35,101,301 gives the same sequence; the c. name uses the placement nearest the transcript's 3' end. GRCh37 (hg19): chr17:33,428,271-33,428,320.
Other names: c.808_857del50 (NM_002878.3); c.868_917del, p.Phe290fs (NM_001142571.2); c.472_521del, p.Phe158fs (NM_133629.3); short protein forms F158fs, F270fs, F290fs.
Identifiers: ClinVar variation 2448054 (VCV002448054.2), dbSNP rs2509124515, ClinGen allele CA2580093447.